The following is an entry in ClinVar:

NM_052947.4(ALPK2):c.4323G>T (p.Met1441Ile)

Genes: ALPK2 (alpha kinase 2; minus strand), LOC126862764 (BRD4-independent group 4 enhancer GRCh37_chr18:56202574-56203773; plus strand). Cytogenetic location: 18q21.31.
Variant type: single nucleotide variant.
Coding change: c.4323G>T on transcript NM_052947.4 (MANE Select); coding-DNA position 4323, G replaced by T.
Protein change: p.Met1441Ile; replaces methionine 1441 with isoleucine.
Molecular consequence: missense variant.
Genome position (GRCh38, 1-based): chr18:58,535,864, C>A on the plus strand (G>T on the coding strand, the complement: ALPK2 is on the minus strand). VCF-style: chr18-58535864-C-A. GRCh37 (hg19) VCF-style: chr18-56203096-C-A.
Other names: short protein forms M1441I.
Identifiers: ClinVar variation 3529431 (VCV003529431.1).

ClinVar aggregate classification (germline): Uncertain significance (1 of 4 stars; one submission).

Submission:

Ambry Genetics
Classification: Uncertain significance. Last evaluated: 2024-10-29. Review status: criteria provided, single submitter. Criteria: Ambry Variant Classification Scheme 2023. Collection method: clinical testing. Allele origin: germline.
Comment: The p.M1441I variant (also known as c.4323G>T), located in coding exon 4 of the ALPK2 gene, results from a G to T substitution at nucleotide position 4323. The methionine at codon 1441 is replaced by isoleucine, an amino acid with highly similar properties. This amino acid position is conserved. In addition, this alteration is predicted to be tolerated by in silico analysis. Based on the available evidence, the clinical significance of this variant remains unclear.